The following is an entry in ClinVar:

ClinVar aggregate classification (germline): Likely benign (1 of 4 stars; one submission).

Conditions:
TMEM216-related disorder. Also called: TMEM216-related condition; TMEM216-related disorders.

Submission:

PreventionGenetics, part of Exact Sciences
Classification: Likely benign for TMEM216-related condition. Last evaluated: 2025-03-06. Review status: criteria provided, single submitter. Criteria: ACMG Guidelines, 2015. Collection method: clinical testing. Allele origin: germline.
Comment: This variant is classified as likely benign based on ACMG/AMP sequence variant interpretation guidelines (Richards et al. 2015 PMID: 25741868, with internal and published modifications).

NM_001173990.3(TMEM216):c.-4G>A

Gene: TMEM216 (transmembrane protein 216; plus strand). Cytogenetic location: 11q12.2.
Variant type: single nucleotide variant.
Coding change: c.-4G>A on transcript NM_001173990.3 (MANE Select); 4 bases upstream of the start codon, G replaced by A.
Molecular consequence: 5 prime UTR variant.
Genome position (GRCh38, 1-based): chr11:61,392,628, G>A. VCF-style: chr11-61392628-G-A. GRCh37 (hg19) VCF-style: chr11-61160100-G-A.
Other names: c.-4G>A (NM_001173991.3); c.-201G>A (NM_001330285.2, NM_016499.6).
Identifiers: ClinVar variation 4980401 (VCV004980401.1).